The following is an entry in ClinVar:

NM_016599.5(MYOZ2):c.371C>T (p.Ala124Val)

Gene: MYOZ2 (myozenin 2; plus strand). Cytogenetic location: 4q26.
Variant type: single nucleotide variant.
Coding change: c.371C>T on transcript NM_016599.5 (MANE Select); coding-DNA position 371, C replaced by T.
Protein change: p.Ala124Val; replaces alanine 124 with valine.
Molecular consequence: missense variant.
Genome position (GRCh38, 1-based): chr4:119,158,146, C>T. VCF-style: chr4-119158146-C-T. GRCh37 (hg19) VCF-style: chr4-120079301-C-T.
Other names: c.371C>T, p.Ala124Val (NM_001440645.1, NM_001440646.1); short protein forms A124V.
Identifiers: ClinVar variation 4704310 (VCV004704310.1).

ClinVar aggregate classification (germline): Uncertain significance (1 of 4 stars; one submission).

Conditions:
Hypertrophic cardiomyopathy. Also called: HYPERTROPHIC MYOCARDIOPATHY. Identifiers: Orphanet 217569, MedGen C0007194, MeSH D002312, MONDO:0005045, HP:0001639.

gnomAD v4.1: 1 of 1,614,050 alleles (0.000062%); highest among the groups gnomAD compares: South Asian, 0.0011%; no homozygotes.

Submission:

Labcorp Genetics (formerly Invitae), Labcorp
Classification: Uncertain significance for Hypertrophic cardiomyopathy. Last evaluated: 2025-07-02. Review status: criteria provided, single submitter. Criteria: Invitae Variant Classification Sherloc (09022015). Collection method: clinical testing. Allele origin: germline.
Comment: This sequence change replaces alanine, which is neutral and non-polar, with valine, which is neutral and non-polar, at codon 124 of the MYOZ2 protein (p.Ala124Val). This variant is present in population databases (no rsID available, gnomAD 0.003%). This variant has not been reported in the literature in individuals affected with MYOZ2-related conditions. Invitae Evidence Modeling of protein sequence and biophysical properties (such as structural, functional, and spatial information, amino acid conservation, physicochemical variation, residue mobility, and thermodynamic stability) indicates that this missense variant is not expected to disrupt MYOZ2 protein function with a negative predictive value of 80%. In summary, the available evidence is currently insufficient to determine the role of this variant in disease. Therefore, it has been classified as a Variant of Uncertain Significance.